The following is an entry in ClinVar:

NM_000051.4(ATM):c.7444A>G (p.Met2482Val)

Genes: ATM (ATM serine/threonine kinase; plus strand), C11orf65 (chromosome 11 open reading frame 65; minus strand). Cytogenetic location: 11q22.3.
Variant type: single nucleotide variant.
Coding change: c.7444A>G on transcript NM_000051.4 (MANE Select); coding-DNA position 7444, A replaced by G.
Protein change: p.Met2482Val; replaces methionine 2482 with valine.
Molecular consequence: missense variant. On other transcripts: intron variant (2).
Genome position (GRCh38, 1-based): chr11:108,330,350, A>G. VCF-style: chr11-108330350-A-G. GRCh37 (hg19) VCF-style: chr11-108201077-A-G.
Other names: c.7444A>G, p.Met2482Val (NM_001351834.2); c.641-21279T>C (NM_001330368.2); c.*38+4870T>C (NM_001351110.2); short protein forms M2482V.
Identifiers: ClinVar variation 407715 (VCV000407715.15), dbSNP rs951373716, ClinGen allele CA16613428.
Genomic context (GRCh38, chr11:108,330,350, plus strand): 5'-TTCTTATGTAAAGCAGTTGAAAATTATATCAACTGCTTATTAAGTGGAGAAGAACATGAT[A>G]TGTGGGTATTCCGACTTTGTTCCCTCTGGCTTGAAAATTCTGGAGTTTCTGAAGTCAATG-3'
Protein context (NP_000042.3, residues 2472-2492): NCLLSGEEHD[Met2482Val]WVFRLCSLWL

ClinVar aggregate classification (germline): Uncertain significance. Review status: criteria provided, multiple submitters, no conflicts (2 of 4 stars). 3 submissions from 3 submitters: Uncertain significance (3). Last evaluated 2024-11-11.

Conditions:
Hereditary cancer-predisposing syndrome. Also called: Neoplastic Syndromes, Hereditary; Hereditary Cancer Syndrome; Tumor predisposition; Hereditary neoplastic syndrome. Identifiers: Orphanet 140162, MedGen C0027672, MeSH D009386, MONDO:0015356.
Ataxia-telangiectasia syndrome (AT). Also called: LOUIS-BAR SYNDROME; Cerebello-oculocutaneous telangiectasia; Immunodeficiency with ataxia telangiectasia; Ataxia-telangiectasia, complementation group D; AT, COMPLEMENTATION GROUP C; Ataxia-telangiectasia, complementation group E. Identifiers: Orphanet 100, MedGen C0004135, MONDO:0008840, OMIM 208900.

Allele frequency attached by ClinVar (database versions not stated): TOPMed 0.00001.

Submissions (4):

Labcorp Genetics (formerly Invitae), Labcorp
Classification: Uncertain significance for Ataxia-telangiectasia syndrome. Last evaluated: 2024-11-11. Review status: criteria provided, single submitter. Criteria: Invitae Variant Classification Sherloc (09022015). Collection method: clinical testing. Allele origin: germline.
Comment: This sequence change replaces methionine, which is neutral and non-polar, with valine, which is neutral and non-polar, at codon 2482 of the ATM protein (p.Met2482Val). This variant is not present in population databases (gnomAD no frequency). This variant has not been reported in the literature in individuals affected with ATM-related conditions. ClinVar contains an entry for this variant (Variation ID: 407715). Invitae Evidence Modeling of protein sequence and biophysical properties (such as structural, functional, and spatial information, amino acid conservation, physicochemical variation, residue mobility, and thermodynamic stability) indicates that this missense variant is not expected to disrupt ATM protein function with a negative predictive value of 95%. In summary, the available evidence is currently insufficient to determine the role of this variant in disease. Therefore, it has been classified as a Variant of Uncertain Significance.

Color Diagnostics, LLC DBA Color Health
Classification: Uncertain significance for Hereditary cancer-predisposing syndrome. Last evaluated: 2024-03-28. Review status: criteria provided, single submitter. Criteria: ACMG Guidelines, 2015. Collection method: clinical testing. Allele origin: germline.
Comment: This missense variant replaces methionine with valine at codon 2482 of the ATM protein. Computational prediction suggests that this variant may not impact protein structure and function. To our knowledge, functional studies have not been reported for this variant. This variant has not been reported in individuals affected with ATM-related disorders in the literature. This variant has not been identified in the general population by the Genome Aggregation Database (gnomAD). The available evidence is insufficient to determine the role of this variant in disease conclusively. Therefore, this variant is classified as a Variant of Uncertain Significance.

Ambry Genetics
Classification: Uncertain significance for Hereditary cancer-predisposing syndrome. Last evaluated: 2022-02-11. Review status: criteria provided, single submitter. Criteria: Ambry Variant Classification Scheme 2023. Collection method: clinical testing. Allele origin: germline.
Comment: The p.M2482V variant (also known as c.7444A>G), located in coding exon 49 of the ATM gene, results from an A to G substitution at nucleotide position 7444. The methionine at codon 2482 is replaced by valine, an amino acid with highly similar properties. This amino acid position is poorly conserved in available vertebrate species. In addition, this alteration is predicted to be tolerated by in silico analysis. Since supporting evidence is limited at this time, the clinical significance of this alteration remains unclear.

Dr. Peter K. Rogan Lab, Western University
No classification provided (evidence only). Condition: Gastric cancer. Review status: no classification provided. Collection method: in vitro. Allele origin: not applicable. Functional consequence: retained intron. Not counted in ClinVar's aggregate classification.